The following is an entry in ClinVar:

ClinVar aggregate classification (germline): Likely pathogenic (1 of 4 stars; one submission).

Submission:

Labcorp Genetics (formerly Invitae), Labcorp
Classification: Likely pathogenic. Last evaluated: 2023-01-10. Review status: criteria provided, single submitter. Criteria: Invitae Variant Classification Sherloc (09022015). Collection method: clinical testing. Allele origin: germline.
Comment: In summary, the currently available evidence indicates that the variant is pathogenic, but additional data are needed to prove that conclusively. Therefore, this variant has been classified as Likely Pathogenic. Algorithms developed to predict the effect of sequence changes on RNA splicing suggest that this variant may disrupt the consensus splice site. Disruption of this splice site has been observed in individual(s) with Weill-Marchesani syndrome (Invitae). This variant is not present in population databases (gnomAD no frequency). This sequence change affects an acceptor splice site in intron 6 of the ADAMTS17 gene. It is expected to disrupt RNA splicing. Variants that disrupt the donor or acceptor splice site typically lead to a loss of protein function (PMID: 16199547), and loss-of-function variants in ADAMTS17 are known to be pathogenic (PMID: 19836009, 24940034).

Literature cited by the submitters: PubMed 16199547; PubMed 19836009; PubMed 24940034.

NM_139057.4(ADAMTS17):c.1032-2A>C

Gene: ADAMTS17 (ADAM metallopeptidase with thrombospondin type 1 motif 17; minus strand). Cytogenetic location: 15q26.3.
Variant type: single nucleotide variant.
Coding change: c.1032-2A>C on transcript NM_139057.4 (MANE Select); the canonical splice acceptor site of the intron before coding-DNA position 1032, A replaced by C.
Molecular consequence: splice acceptor variant.
Genome position (GRCh38, 1-based): chr15:100,254,181, T>G on the plus strand (A>C on the coding strand, the complement: ADAMTS17 is on the minus strand). VCF-style: chr15-100254181-T-G. GRCh37 (hg19) VCF-style: chr15-100794386-T-G.
Identifiers: ClinVar variation 2032272 (VCV002032272.4), dbSNP rs2548769622, ClinGen allele CA393937685.